The following is an entry in ClinVar:

ClinVar aggregate classification (germline): Likely benign. Review status: criteria provided, single submitter (1 of 4 stars). 2 submissions from 2 submitters: Likely benign (1). 1 of the submissions does not count toward it. Last evaluated 2023-03-17.

Conditions:
FASTKD2-related disorder. Also called: FASTKD2-related condition.

Allele frequency attached by ClinVar (database versions not stated): gnomAD 0.00002; gnomAD exomes 0.00003; TOPMed 0.00003; ExAC 0.00004.
gnomAD v4.1: 41 of 1,596,640 alleles (0.0026%); highest among the groups gnomAD compares: Middle Eastern, 0.017%; no homozygotes.

Submissions (2):

Labcorp Genetics (formerly Invitae), Labcorp
Classification: Likely benign. Last evaluated: 2023-03-17. Review status: criteria provided, single submitter. Criteria: Invitae Variant Classification Sherloc (09022015). Collection method: clinical testing. Allele origin: germline.

PreventionGenetics, part of Exact Sciences
Classification: Likely benign for FASTKD2-related condition. Last evaluated: 2020-09-15. Review status: no assertion criteria provided. Collection method: clinical testing. Allele origin: germline. Not counted in ClinVar's aggregate classification.
Comment: This variant is classified as likely benign based on ACMG/AMP sequence variant interpretation guidelines (Richards et al. 2015 PMID: 25741868, with internal and published modifications).

NM_001136193.2(FASTKD2):c.1911A>G (p.Leu637=)

Gene: FASTKD2 (FAST kinase domains 2; plus strand). Cytogenetic location: 2q33.3.
Variant type: single nucleotide variant.
Coding change: c.1911A>G on transcript NM_001136193.2 (MANE Select); coding-DNA position 1911, A replaced by G.
Protein change: p.Leu637=; no amino-acid change (leucine 637 retained).
Molecular consequence: synonymous variant.
Genome position (GRCh38, 1-based): chr2:206,790,584, A>G. VCF-style: chr2-206790584-A-G. GRCh37 (hg19) VCF-style: chr2-207655308-A-G.
Other names: c.1911A>G, p.Leu637= (NM_001136194.2, NM_014929.4); c.1911A>G (NM_014929.3).
Identifiers: ClinVar variation 1921161 (VCV001921161.7), dbSNP rs765047532, ClinGen allele CA2075321.